The following is an entry in ClinVar:

NM_197968.4(ZMYM2):c.2484C>T (p.Thr828=)

Gene: ZMYM2 (zinc finger MYM-type containing 2; plus strand). Cytogenetic location: 13q12.11.
Variant type: single nucleotide variant.
Coding change: c.2484C>T on transcript NM_197968.4 (MANE Select); coding-DNA position 2484, C replaced by T.
Protein change: p.Thr828=; no amino-acid change (threonine 828 retained).
Molecular consequence: synonymous variant. On other transcripts: non-coding transcript variant (1).
Genome position (GRCh38, 1-based): chr13:20,052,302, C>T. VCF-style: chr13-20052302-C-T. GRCh37 (hg19) VCF-style: chr13-20626442-C-T.
Other names: c.2484C>T, p.Thr828= (NM_001190964.4, NM_001190965.4, NM_001353157.2 and 5 more transcripts); c.2289C>T, p.Thr763= (NM_001353161.3); c.2223C>T, p.Thr741= (NM_001353163.2).
Identifiers: ClinVar variation 3053860 (VCV003053860.2), dbSNP rs936764875, ClinGen allele CA246449651.

ClinVar aggregate classification (germline): Likely benign (0 of 4 stars; one submission).

Conditions:
ZMYM2-related disorder. Also called: ZMYM2-related condition.

Allele frequency attached by ClinVar (database versions not stated): gnomAD exomes 0.00001; gnomAD 0.00002; TOPMed 0.00002.
gnomAD v4.1: 16 of 1,569,224 alleles (0.001%); highest among the groups gnomAD compares: Non-Finnish European, 0.0014%; no homozygotes.

Submission:

PreventionGenetics, part of Exact Sciences
Classification: Likely benign for ZMYM2-related condition. Last evaluated: 2019-09-05. Review status: no assertion criteria provided. Collection method: clinical testing. Allele origin: germline.
Comment: This variant is classified as likely benign based on ACMG/AMP sequence variant interpretation guidelines (Richards et al. 2015 PMID: 25741868, with internal and published modifications).